The following is an entry in ClinVar:

ClinVar aggregate classification (germline): Uncertain significance. Review status: criteria provided, multiple submitters, no conflicts (2 of 4 stars). 2 submissions from 2 submitters: Uncertain significance (2). Last evaluated 2025-09-30.

Conditions:
Megacystis-microcolon-intestinal hypoperistalsis syndrome 1. Identifiers: MedGen C5542316, MONDO:0100354, OMIM 249210.
Aortic aneurysm, familial thoracic 7 (AAT7). Also called: AORTIC DISSECTION, FAMILIAL, WITH OR WITHOUT AORTIC ANEURYSM. Identifiers: MedGen C3151077, MONDO:0013418, OMIM 613780.

Allele frequency attached by ClinVar (database versions not stated): gnomAD 0.00004; gnomAD exomes 0.00004 and 0.00006; ExAC 0.00007.
gnomAD v4.1: 63 of 1,613,860 alleles (0.0039%); highest among the groups gnomAD compares: South Asian, 0.022%; no homozygotes.

Submissions (2):

Labcorp Genetics (formerly Invitae), Labcorp
Classification: Uncertain significance for Aortic aneurysm, familial thoracic 7. Last evaluated: 2025-09-30. Review status: criteria provided, single submitter. Criteria: Invitae Variant Classification Sherloc (09022015). Collection method: clinical testing. Allele origin: germline.
Comment: This sequence change replaces threonine, which is neutral and polar, with methionine, which is neutral and non-polar, at codon 1132 of the MYLK protein (p.Thr1132Met). This variant is present in population databases (rs202025561, gnomAD 0.04%). This variant has not been reported in the literature in individuals affected with MYLK-related conditions. ClinVar contains an entry for this variant (Variation ID: 968481). Invitae Evidence Modeling of protein sequence and biophysical properties (such as structural, functional, and spatial information, amino acid conservation, physicochemical variation, residue mobility, and thermodynamic stability) indicates that this missense variant is not expected to disrupt MYLK protein function with a negative predictive value of 80%. In summary, the available evidence is currently insufficient to determine the role of this variant in disease. Therefore, it has been classified as a Variant of Uncertain Significance.

Fulgent Genetics
Classification: Uncertain significance for Megacystis-microcolon-intestinal hypoperistalsis syndrome 1; Aortic aneurysm, familial thoracic 7. Last evaluated: 2021-08-25. Review status: criteria provided, single submitter. Criteria: ACMG Guidelines, 2015. Collection method: clinical testing. Allele origin: unknown.

NM_053025.4(MYLK):c.3395C>T (p.Thr1132Met)

Gene: MYLK (myosin light chain kinase; minus strand). Cytogenetic location: 3q21.1.
Variant type: single nucleotide variant.
Coding change: c.3395C>T on transcript NM_053025.4 (MANE Select); coding-DNA position 3395, C replaced by T.
Protein change: p.Thr1132Met; replaces threonine 1132 with methionine.
Molecular consequence: missense variant.
Genome position (GRCh38, 1-based): chr3:123,700,073, G>A on the plus strand (C>T on the coding strand, the complement: MYLK is on the minus strand). VCF-style: chr3-123700073-G-A. GRCh37 (hg19) VCF-style: chr3-123418920-G-A.
Other names: c.2867C>T, p.Thr956Met (NM_001321309.2); c.3188C>T, p.Thr1063Met (NM_053026.4, NM_053028.4); c.3395C>T, p.Thr1132Met (NM_053027.4); short protein forms T1132M, T1063M, T956M.
Identifiers: ClinVar variation 968481 (VCV000968481.10), dbSNP rs202025561, ClinGen allele CA069611.